The following is an entry in ClinVar:

ClinVar aggregate classification (germline): Uncertain significance (1 of 4 stars; one submission).

Submission:

Labcorp Genetics (formerly Invitae), Labcorp
Classification: Uncertain significance. Last evaluated: 2024-04-25. Review status: criteria provided, single submitter. Criteria: Invitae Variant Classification Sherloc (09022015). Collection method: clinical testing. Allele origin: germline.
Comment: This variant occurs in a non-coding region of the ANKRD26 gene. It does not change the encoded amino acid sequence of the ANKRD26 protein. This variant is not present in population databases (gnomAD no frequency). This variant has not been reported in the literature in individuals affected with ANKRD26-related conditions. In summary, the available evidence is currently insufficient to determine the role of this variant in disease. Therefore, it has been classified as a Variant of Uncertain Significance.

NM_014915.3(ANKRD26):c.-47G>A

Gene: ANKRD26 (ankyrin repeat domain 26; minus strand). Cytogenetic location: 10p12.1.
Variant type: single nucleotide variant.
Coding change: c.-47G>A on transcript NM_014915.3 (MANE Select); 47 bases upstream of the start codon, G replaced by A.
Molecular consequence: 5 prime UTR variant.
Genome position (GRCh38, 1-based): chr10:27,100,373, C>T on the plus strand (G>A on the coding strand, the complement: ANKRD26 is on the minus strand). VCF-style: chr10-27100373-C-T. GRCh37 (hg19) VCF-style: chr10-27389302-C-T.
Other names: c.-47G>A (NM_001256053.2).
Identifiers: ClinVar variation 3650437 (VCV003650437.2).